The following is an entry in ClinVar:

ClinVar aggregate classification (germline): Uncertain significance. Review status: criteria provided, multiple submitters, no conflicts (2 of 4 stars). 4 submissions from 4 submitters: Uncertain significance (3). 1 of the submissions does not count toward it. Last evaluated 2023-04-11.

Conditions:
Glycogen storage disease type III (GSD3). Also called: FORBES DISEASE; Cori disease. Identifiers: Orphanet 366, MedGen C0017922, MONDO:0009291, OMIM 232400.

Submissions (4):

Genome-Nilou Lab
Classification: Uncertain significance for Glycogen storage disease type III. Last evaluated: 2023-04-11. Review status: criteria provided, single submitter. Criteria: ACMG Guidelines, 2015. Collection method: clinical testing. Allele origin: germline. Affected: no.

Baylor Genetics
Classification: Uncertain significance for Glycogen storage disease type III. Last evaluated: 2022-08-13. Review status: criteria provided, single submitter. Criteria: ACMG Guidelines, 2015. Collection method: clinical testing. Allele origin: unknown.

Labcorp Genetics (formerly Invitae), Labcorp
Classification: Uncertain significance for Glycogen storage disease type III. Last evaluated: 2022-06-09. Review status: criteria provided, single submitter. Criteria: Invitae Variant Classification Sherloc (09022015). Collection method: clinical testing. Allele origin: germline.
Comment: This variant, c.1076_1078dup, results in the insertion of 1 amino acid(s) of the AGL protein (p.Pro359dup), but otherwise preserves the integrity of the reading frame. This variant is present in population databases (rs750705888, gnomAD 0.02%). This variant has not been reported in the literature in individuals affected with AGL-related conditions. ClinVar contains an entry for this variant (Variation ID: 848025). Experimental studies and prediction algorithms are not available or were not evaluated, and the functional significance of this variant is currently unknown. In summary, the available evidence is currently insufficient to determine the role of this variant in disease. Therefore, it has been classified as a Variant of Uncertain Significance.

Natera, Inc.
Classification: Uncertain significance for Glycogen storage disease type III. Last evaluated: 2020-09-16. Review status: no assertion criteria provided. Collection method: clinical testing. Allele origin: germline. Not counted in ClinVar's aggregate classification.

NM_000642.3(AGL):c.1076_1078dup (p.Pro359_His360insPro)

Gene: AGL (amylo-alpha-1,6-glucosidase and 4-alpha-glucanotransferase; plus strand). Cytogenetic location: 1p21.2.
Variant type: Duplication.
Coding change: c.1076_1078dup on transcript NM_000642.3 (MANE Select); coding-DNA positions 1076 to 1078, 3 bases duplicated (CAC; older notation c.1076_1078dupCAC).
Protein change: p.Pro359_His360insPro.
Molecular consequence: inframe insertion. On other transcripts: inframe indel (10).
Genome position (GRCh38, 1-based): chr1:99,874,804-99,874,806, CAC duplicated; duplicating any 3 consecutive bases within chr1:99,874,802-99,874,806 gives the same sequence; the c. name uses the placement nearest the transcript's 3' end. VCF-style (leftmost placement, unchanged base first): chr1-99874801-T-TACC. GRCh37 (hg19) VCF-style: chr1-100340357-T-TACC.
Other names: c.1076_1078dupCAC (NM_000642.3); c.1076_1078dup, p.Pro359_His360insPro (NM_000028.3, NM_000643.3, NM_000644.3 and 3 more transcripts); c.1028_1030dup, p.Pro343_His344insPro (NM_000646.3); c.872_874dup, p.Pro291_His292insPro (NM_001425328.1, NM_001425329.1); c.698_700dup, p.Pro233_His234insPro (NM_001425332.1).
Identifiers: ClinVar variation 848025 (VCV000848025.6), dbSNP rs750705888, ClinGen allele CA966362.